The following is an entry in ClinVar:

NM_001122752.2(SERPINI1):c.917T>C (p.Val306Ala)

Gene: SERPINI1 (serpin family I member 1; plus strand). Cytogenetic location: 3q26.1.
Variant type: single nucleotide variant.
Coding change: c.917T>C on transcript NM_001122752.2 (MANE Select); coding-DNA position 917, T replaced by C.
Protein change: p.Val306Ala; replaces valine 306 with alanine.
Molecular consequence: missense variant.
Genome position (GRCh38, 1-based): chr3:167,807,279, T>C. VCF-style: chr3-167807279-T-C. GRCh37 (hg19) VCF-style: chr3-167525067-T-C.
Other names: c.917T>C, p.Val306Ala (NM_005025.5); short protein forms V306A.
Identifiers: ClinVar variation 845018 (VCV000845018.8), dbSNP rs779353952, ClinGen allele CA2694925.

ClinVar aggregate classification (germline): Conflicting classifications of pathogenicity. Review status: criteria provided, conflicting classifications (1 of 4 stars). 2 submissions from 2 submitters: Uncertain significance (1); Likely benign (1). Last evaluated 2025-07-30.

Conditions:
Familial encephalopathy with neuroserpin inclusion bodies. Also called: ENCEPHALOPATHY, FAMILIAL, WITH COLLINS BODIES. Identifiers: Orphanet 85110, MedGen C1858680, MONDO:0011412, OMIM 604218.
Inborn genetic diseases. Identifiers: MedGen C0950123, MeSH D030342.

Allele frequency attached by ClinVar (database versions not stated): gnomAD 0.00002; TOPMed 0.00004; ExAC 0.00006; gnomAD exomes 0.00006 and 0.00012.
gnomAD v4.1: 177 of 1,612,862 alleles (0.011%); highest among the groups gnomAD compares: Non-Finnish European, 0.014%; no homozygotes.

Submissions (2):

Labcorp Genetics (formerly Invitae), Labcorp
Classification: Uncertain significance for Familial encephalopathy with neuroserpin inclusion bodies. Last evaluated: 2025-07-30. Review status: criteria provided, single submitter. Criteria: Invitae Variant Classification Sherloc (09022015). Collection method: clinical testing. Allele origin: germline.
Comment: This sequence change replaces valine, which is neutral and non-polar, with alanine, which is neutral and non-polar, at codon 306 of the SERPINI1 protein (p.Val306Ala). This variant is present in population databases (rs779353952, gnomAD 0.01%). This variant has not been reported in the literature in individuals affected with SERPINI1-related conditions. ClinVar contains an entry for this variant (Variation ID: 845018). Invitae Evidence Modeling of protein sequence and biophysical properties (such as structural, functional, and spatial information, amino acid conservation, physicochemical variation, residue mobility, and thermodynamic stability) indicates that this missense variant is not expected to disrupt SERPINI1 protein function with a negative predictive value of 80%. In summary, the available evidence is currently insufficient to determine the role of this variant in disease. Therefore, it has been classified as a Variant of Uncertain Significance.

Ambry Genetics
Classification: Likely benign for Inborn genetic diseases. Last evaluated: 2022-10-04. Review status: criteria provided, single submitter. Criteria: Ambry Variant Classification Scheme 2023. Collection method: clinical testing. Allele origin: germline.